The following is an entry in ClinVar:

NM_000135.4(FANCA):c.2622A>G (p.Arg874=)

Genes: FANCA (FA complementation group A; minus strand), LOC130059837 (ATAC-STARR-seq lymphoblastoid active region 11420; plus strand). Cytogenetic location: 16q24.3.
Variant type: single nucleotide variant.
Coding change: c.2622A>G on transcript NM_000135.4 (MANE Select); coding-DNA position 2622, A replaced by G.
Protein change: p.Arg874=; no amino-acid change (arginine 874 retained).
Molecular consequence: synonymous variant.
Genome position (GRCh38, 1-based): chr16:89,765,046, T>C on the plus strand (A>G on the coding strand, the complement: FANCA is on the minus strand). VCF-style: chr16-89765046-T-C. GRCh37 (hg19) VCF-style: chr16-89831454-T-C.
Other names: c.2622A>G, p.Arg874= (NM_001286167.3).
Identifiers: ClinVar variation 1056321 (VCV001056321.8), dbSNP rs1441752228, ClinGen allele CA497379724.

ClinVar aggregate classification (germline): Conflicting classifications of pathogenicity. Review status: criteria provided, conflicting classifications (1 of 4 stars). 2 submissions from 2 submitters: Uncertain significance (1); Likely benign (1). Last evaluated 2022-09-07.

Conditions:
Fanconi anemia (FA). Also called: Fanconi's anemia. Identifiers: Orphanet 84, MedGen C0015625, MeSH D005199, MONDO:0019391.

Allele frequency attached by ClinVar (database versions not stated): gnomAD exomes below 0.00001; gnomAD 0.00002; TOPMed 0.00002.
gnomAD v4.1: 6 of 1,614,022 alleles (0.00037%); highest among the groups gnomAD compares: African/African-American, 0.0067%; no homozygotes.

Submissions (2):

Labcorp Genetics (formerly Invitae), Labcorp
Classification: Likely benign for Fanconi anemia. Last evaluated: 2022-09-07. Review status: criteria provided, single submitter. Criteria: Invitae Variant Classification Sherloc (09022015). Collection method: clinical testing. Allele origin: germline.

Sema4
Classification: Uncertain significance for Fanconi anemia. Last evaluated: 2021-11-15. Review status: criteria provided, single submitter. Criteria: Sema4 Curation Guidelines. Collection method: curation. Allele origin: germline.
Comment: The FANCA c.2622A>G (p.R874= ) variant has not been reported in the literature to our knowledge. It was observed in 2/8710 chromosomes of the African/African American subpopulation in the large and broad cohorts of the Genome Aggregation Database (PMID: 32461654). The variant has been reported in ClinVar (Variation ID 1056321). In silico tools suggest that the variant may have an impact on splicing, though these predictions have not been confirmed by functional studies. The evidence is insufficient to meet ACMG/AMP criteria for classifying the variant as benign or pathogenic. Thus, the clinical significance of this variant is currently uncertain.